The following is an entry in ClinVar:

NM_004211.5(SLC6A5):c.1472A>G (p.Tyr491Cys)

Gene: SLC6A5 (solute carrier family 6 member 5; plus strand). Cytogenetic location: 11p15.1.
Variant type: single nucleotide variant.
Coding change: c.1472A>G on transcript NM_004211.5 (MANE Select); coding-DNA position 1472, A replaced by G.
Protein change: p.Tyr491Cys; replaces tyrosine 491 with cysteine.
Molecular consequence: missense variant.
Genome position (GRCh38, 1-based): chr11:20,628,056, A>G. VCF-style: chr11-20628056-A-G. GRCh37 (hg19) VCF-style: chr11-20649602-A-G.
Other names: A1472G; c.770A>G, p.Tyr257Cys (NM_001318369.2); c.1472A>G (NM_004211.4); short protein forms Y491C, Y257C.
Identifiers: ClinVar variation 5763 (VCV000005763.8), dbSNP rs121908494, ClinGen allele CA340453.

ClinVar aggregate classification (germline): Conflicting classifications of pathogenicity. Review status: criteria provided, conflicting classifications (1 of 4 stars). 4 submissions from 4 submitters: Likely pathogenic (1); Uncertain significance (1). 2 of the submissions do not count toward it. Last evaluated 2022-08-08.

Conditions:
Hyperekplexia 3 (HKPX3). Also called: HYPEREKPLEXIA 3, AUTOSOMAL RECESSIVE; HYPEREKPLEXIA 3, AUTOSOMAL DOMINANT. Identifiers: Orphanet 3197, MedGen C3553288, MONDO:0013827, OMIM 614618.

Allele frequency attached by ClinVar (database versions not stated): gnomAD exomes 0.00001 and 0.00002; gnomAD 0.00003 and 0.00004; ExAC 0.00002; TOPMed 0.00002.
gnomAD v4.1: 29 of 1,613,922 alleles (0.0018%); highest among the groups gnomAD compares: Non-Finnish European, 0.0023%; no homozygotes.

Submissions (4):

Labcorp Genetics (formerly Invitae), Labcorp
Classification: Uncertain significance for Hyperekplexia 3. Last evaluated: 2022-08-08. Review status: criteria provided, single submitter. Criteria: Invitae Variant Classification Sherloc (09022015). Collection method: clinical testing. Allele origin: germline.
Comment: This sequence change replaces tyrosine, which is neutral and polar, with cysteine, which is neutral and slightly polar, at codon 491 of the SLC6A5 protein (p.Tyr491Cys). This variant is present in population databases (rs121908494, gnomAD 0.003%). This missense change has been observed in individual(s) with hyperekplexia (PMID: 16751771). ClinVar contains an entry for this variant (Variation ID: 5763). Algorithms developed to predict the effect of missense changes on protein structure and function (SIFT, PolyPhen-2, Align-GVGD) all suggest that this variant is likely to be disruptive. Experimental studies have shown that this missense change affects SLC6A5 function (PMID: 16751771). In summary, the available evidence is currently insufficient to determine the role of this variant in disease. Therefore, it has been classified as a Variant of Uncertain Significance.

Victorian Clinical Genetics Services, Murdoch Childrens Research Institute
Classification: Likely pathogenic for Hyperekplexia 3. Last evaluated: 2020-10-19. Review status: criteria provided, single submitter. Criteria: ACMG Guidelines, 2015. Collection method: clinical testing. Allele origin: germline. Affected: yes.
Comment: Based on the classification scheme VCGS_Germline_v1.3.4, this variant is classified as Likely pathogenic. Following criteria are met: 0103 - Dominant negative and loss of function are known mechanisms of disease in this gene and are associated with hyperekplexia 3 (MIM#614618). (I) 0108 - This gene is associated with both recessive and dominant disease. Recessive disease is caused by biallelic loss of function variants, where both truncating and missense variants have been reported. Missense variants with a dominant negative mechanism have been reported to cause dominant disease however, this is rare (PMID: 16751771). (I) 0200 - Variant is predicted to result in a missense amino acid change from tyrosine to cysteine. (I) 0251 - This variant is heterozygous. (I) 0304 - Variant is present in gnomAD (v2, v3) <0.01 for a recessive condition (5 heterozygotes, 0 homozygotes). (SP) 0501 - Missense variant consistently predicted to be damaging by multiple in silico tools or highly conserved with a major amino acid change. (SP) 0600 - Variant is located in the annotated sodium neurotransmitter symporter family domain (PDB). (I) 0705 - No comparable missense variants have previous evidence for pathogenicity. (I) 0803 - This variant has limited previous evidence of pathogenicity in an individual. This variant has been reported as pathogenic, and observed in a single compound heterozygous patient with hyperekplexia (ClinVar, PMID: 16751771). (SP) 0905 - No published segregation evidence has been identified for this variant. (I) 1002 - This variant has moderate functional evidence supporting abnormal protein function. Transfected HEK293 cells and Xenopus oocytes demonstrated that this variant causes impaired glycine uptake and currents could not be induced (PMID: 16751771). (SP) 1208 - Inheritance information for this variant is not currently available in this individual. (I) Legend: (SP) - Supporting pathogenic, (I) - Information, (SB) - Supporting benign

GeneReviews
Classification: Pathogenic for Hyperekplexia. Last evaluated: 2012-10-04. Review status: no assertion criteria provided. Collection method: curation. Allele origin: unknown. Not counted in ClinVar's aggregate classification.
ClinVar note: Converted during submission from pathologic to Pathogenic.

OMIM
Classification: Pathogenic for HYPEREKPLEXIA 3, AUTOSOMAL RECESSIVE. Last evaluated: 2006-07-01. Review status: no assertion criteria provided. Collection method: literature only. Allele origin: germline. Not counted in ClinVar's aggregate classification.

Literature cited by the submitters: PubMed 16751771 (cited by 3 submitters).